The following is an entry in ClinVar:

NM_001267550.2(TTN):c.38931T>G (p.Pro12977=)

Gene: TTN (titin; minus strand). Cytogenetic location: 2q31.2.
Variant type: single nucleotide variant.
Coding change: c.38931T>G on transcript NM_001267550.2 (MANE Select); coding-DNA position 38931, T replaced by G.
Protein change: p.Pro12977=; no amino-acid change (proline 12977 retained).
Molecular consequence: synonymous variant. On other transcripts: intron variant (5).
Genome position (GRCh38, 1-based): chr2:178,652,876, A>C on the plus strand (T>G on the coding strand, the complement: TTN is on the minus strand). VCF-style: chr2-178652876-A-C. GRCh37 (hg19) VCF-style: chr2-179517603-A-C.
Other names: c.13283-10559T>G (NM_003319.4); c.13859-10559T>G (NM_133437.4); c.13658-10559T>G (NM_133432.3); c.31742-335T>G (NM_133378.4); c.34523-335T>G (NM_001256850.1).
Identifiers: ClinVar variation 1109204 (VCV001109204.39), dbSNP rs369631190, ClinGen allele CA1996958.

ClinVar aggregate classification (germline): Likely benign. Review status: criteria provided, multiple submitters, no conflicts (2 of 4 stars). 2 submissions from 2 submitters: Likely benign (2). Last evaluated 2025-11-12.

Conditions:
Autosomal recessive limb-girdle muscular dystrophy type 2J (LGMDR10). Also called: Limb-girdle muscular dystrophy, type 2J; MUSCULAR DYSTROPHY, LIMB-GIRDLE, AUTOSOMAL RECESSIVE 10. Identifiers: Orphanet 140922, MedGen C1837342, MONDO:0012127, OMIM 608807.
Dilated cardiomyopathy 1G (CMD1G). Identifiers: Orphanet 154, MedGen C1858763, MONDO:0011400, OMIM 604145.

Allele frequency attached by ClinVar (database versions not stated): gnomAD exomes 0.00001; TOPMed 0.00002; ExAC 0.00003; gnomAD 0.00003; ESP Exome Variant Server 0.00017.
gnomAD v4.1: 20 of 1,611,706 alleles (0.0012%); highest among the groups gnomAD compares: Non-Finnish European, 0.0017%; no homozygotes.

Submissions (2):

Labcorp Genetics (formerly Invitae), Labcorp
Classification: Likely benign for Dilated cardiomyopathy 1G; Autosomal recessive limb-girdle muscular dystrophy type 2J. Last evaluated: 2025-11-12. Review status: criteria provided, single submitter. Criteria: Invitae Variant Classification Sherloc (09022015). Collection method: clinical testing. Allele origin: germline.

CeGaT Center for Human Genetics Tuebingen
Classification: Likely benign. Last evaluated: 2022-04-01. Review status: criteria provided, single submitter. Criteria: CeGaT Center For Human Genetics Tuebingen Variant Classification Criteria Version 2. Collection method: clinical testing. Allele origin: germline. Affected: yes. Observed: 1 variant allele.
Comment: TTN: BP4, BP7